The following is an entry in ClinVar:

ClinVar aggregate classification (germline): Conflicting classifications of pathogenicity. Review status: criteria provided, conflicting classifications (1 of 4 stars). 4 submissions from 4 submitters: Uncertain significance (1); Benign (1); Likely benign (1). 1 of the submissions does not count toward it. Last evaluated 2026-04-01.

Conditions:
TJP2-related disorder. Also called: TJP2-related condition.

Allele frequency attached by ClinVar (database versions not stated): TOPMed 0.00001; gnomAD exomes 0.00020 and 0.00038; gnomAD 0.00011 and below 0.00001; ExAC 0.00059; 1000 Genomes Project 0.00060; 1000 Genomes Project 30x 0.00094.

Submissions (4):

GeneDx
Classification: Uncertain significance. Last evaluated: 2026-04-01. Review status: criteria provided, single submitter. Criteria: GeneDx Variant Classification Process June 2021. Collection method: clinical testing. Allele origin: germline.
Comment: In silico analysis supports that this missense variant has a deleterious effect on protein structure/function; Has not been previously published as pathogenic or benign to our knowledge

Labcorp Genetics (formerly Invitae), Labcorp
Classification: Benign. Last evaluated: 2026-01-08. Review status: criteria provided, single submitter. Criteria: Invitae Variant Classification Sherloc (09022015). Collection method: clinical testing. Allele origin: germline.

Laboratory for Molecular Medicine, Mass General Brigham Personalized Medicine
Classification: Likely benign. Last evaluated: 2015-05-12. Review status: criteria provided, single submitter. Criteria: LMM Criteria. Collection method: clinical testing. Allele origin: germline. Observed: 1 variant allele.
Comment: p.Pro940Leu in exon 19 of TJP2: This variant is not expected to have clinical si gnificance because it has been identified in 0.4% (60/15540) of South Asian chro mosomes by the Exome Aggregation Consortium (ExAC, g; dbSNP rs199852211).

PreventionGenetics, part of Exact Sciences
Classification: Likely benign for TJP2-related condition. Last evaluated: 2023-09-18. Review status: no assertion criteria provided. Collection method: clinical testing. Allele origin: germline. Not counted in ClinVar's aggregate classification.
Comment: This variant is classified as likely benign based on ACMG/AMP sequence variant interpretation guidelines (Richards et al. 2015 PMID: 25741868, with internal and published modifications).

NM_004817.4(TJP2):c.2819C>T (p.Pro940Leu)

Gene: TJP2 (tight junction protein 2; plus strand). Cytogenetic location: 9q21.11.
Variant type: single nucleotide variant.
Coding change: c.2819C>T on transcript NM_004817.4 (MANE Select); coding-DNA position 2819, C replaced by T.
Protein change: p.Pro940Leu; replaces proline 940 with leucine.
Molecular consequence: missense variant. On other transcripts: intron variant (1).
Genome position (GRCh38, 1-based): chr9:69,248,163, C>T. VCF-style: chr9-69248163-C-T. GRCh37 (hg19) VCF-style: chr9-71863079-C-T.
Other names: c.2750C>T, p.Pro917Leu (NM_001170414.2, NM_001369871.1); c.2831C>T, p.Pro944Leu (NM_001170415.1, NM_001369874.1, NM_001369875.1); c.2912C>T, p.Pro971Leu (NM_001170416.2); c.2744C>T, p.Pro915Leu (NM_001369870.1); c.2819C>T, p.Pro940Leu (NM_001369872.1, NM_201629.3); c.2667+1373C>T (NM_001369873.1); short protein forms P940L, P915L, P971L, P917L, P944L.
Identifiers: ClinVar variation 228009 (VCV000228009.11), dbSNP rs199852211, ClinGen allele CA5073774.